The following is an entry in ClinVar:

NM_000789.4(ACE):c.1912G>A (p.Glu638Lys)

Gene: ACE (angiotensin I converting enzyme; plus strand). Cytogenetic location: 17q23.3.
Variant type: single nucleotide variant.
Coding change: c.1912G>A on transcript NM_000789.4 (MANE Select); coding-DNA position 1912, G replaced by A.
Protein change: p.Glu638Lys; replaces glutamic acid 638 with lysine.
Molecular consequence: missense variant.
Genome position (GRCh38, 1-based): chr17:63,484,532, G>A. VCF-style: chr17-63484532-G-A. GRCh37 (hg19) VCF-style: chr17-61561893-G-A.
Other names: c.1912G>A (NM_000789.3); c.1345G>A, p.Glu449Lys (NM_001382700.1); c.1060G>A, p.Glu354Lys (NM_001382701.1); short protein forms E354K, E638K, E449K.
Identifiers: ClinVar variation 2182766 (VCV002182766.3), dbSNP rs760201372, ClinGen allele CA8699729.

ClinVar aggregate classification (germline): Uncertain significance. Review status: criteria provided, multiple submitters, no conflicts (2 of 4 stars). 3 submissions from 3 submitters: Uncertain significance (3). Last evaluated 2024-04-27.

Conditions:
Inborn genetic diseases. Identifiers: MedGen C0950123, MeSH D030342.
Microvascular complications of diabetes, susceptibility to, 3. Identifiers: MedGen C2675470, MONDO:0012963, OMIM 612624.
Hemorrhage, intracerebral, susceptibility to (ICH). Also called: Stroke, hemorrhagic, susceptibility to. Identifiers: MedGen C3281105, MONDO:0100533, OMIM 614519.
Renal tubular dysgenesis of genetic origin. Also called: PRIMITIVE RENAL TUBULE SYNDROME. Identifiers: Orphanet 97369, MedGen C5681536, MONDO:0009970, OMIM 267430.

Allele frequency attached by ClinVar (database versions not stated): gnomAD 0.00005; gnomAD exomes 0.00005; ExAC 0.00009; TOPMed 0.00013.

Submissions (3):

Fulgent Genetics
Classification: Uncertain significance for Renal tubular dysgenesis of genetic origin; Microvascular complications of diabetes, susceptibility to, 3; Hemorrhage, intracerebral, susceptibility to. Last evaluated: 2024-04-27. Review status: criteria provided, single submitter. Criteria: ACMG Guidelines, 2015. Collection method: clinical testing. Allele origin: germline.

Labcorp Genetics (formerly Invitae), Labcorp
Classification: Uncertain significance. Last evaluated: 2022-02-19. Review status: criteria provided, single submitter. Criteria: Invitae Variant Classification Sherloc (09022015). Collection method: clinical testing. Allele origin: germline.
Comment: This sequence change replaces glutamic acid, which is acidic and polar, with lysine, which is basic and polar, at codon 638 of the ACE protein (p.Glu638Lys). This variant is present in population databases (rs760201372, gnomAD 0.05%). This variant has not been reported in the literature in individuals affected with ACE-related conditions. Algorithms developed to predict the effect of missense changes on protein structure and function (SIFT, PolyPhen-2, Align-GVGD) all suggest that this variant is likely to be tolerated. In summary, the available evidence is currently insufficient to determine the role of this variant in disease. Therefore, it has been classified as a Variant of Uncertain Significance.

Ambry Genetics
Classification: Uncertain significance for Inborn genetic diseases. Last evaluated: 2022-01-04. Review status: criteria provided, single submitter. Criteria: Ambry Variant Classification Scheme 2023. Collection method: clinical testing. Allele origin: germline.